The following is an entry in ClinVar:

ClinVar aggregate classification (germline): Uncertain significance (1 of 4 stars; one submission).

Submission:

Labcorp Genetics (formerly Invitae), Labcorp
Classification: Uncertain significance. Last evaluated: 2021-03-25. Review status: criteria provided, single submitter. Criteria: Invitae Variant Classification Sherloc (09022015). Collection method: clinical testing. Allele origin: germline.
Comment: Experimental studies and prediction algorithms are not available or were not evaluated, and the functional significance of this variant is currently unknown. In summary, the available evidence is currently insufficient to determine the role of this variant in disease. Therefore, it has been classified as a Variant of Uncertain Significance. This variant has been observed in individual(s) with clinical features of SCN3A-related conditions (Invitae). This variant is not present in population databases (ExAC no frequency). This variant, c.1519_1521del, results in the deletion of 1 amino acid(s) of the SCN3A protein (p.Arg507del), but otherwise preserves the integrity of the reading frame.

NM_006922.4(SCN3A):c.1516AGA[1] (p.Arg507del)

Gene: SCN3A (sodium voltage-gated channel alpha subunit 3; minus strand). Cytogenetic location: 2q24.3.
Variant type: Microsatellite.
Coding change: c.1516AGA[1] on transcript NM_006922.4 (MANE Select); one copy of the 3-base unit AGA starting at c.1516; the reference has two copies in a row; one copy, 3 bases deleted.
Protein change: p.Arg507del; deletes arginine 507.
Molecular consequence: inframe deletion.
Genome position (GRCh38, 1-based): chr2:165,146,889-165,146,891, TCT deleted on the plus strand (AGA on the coding strand, the reverse complement: SCN3A is on the minus strand); deleting any 3 consecutive bases within chr2:165,146,889-165,146,895 gives the same sequence; the position shown is the placement nearest the transcript's 3' end. VCF-style (leftmost placement, unchanged base first): chr2-165146888-GTCT-G. GRCh37 (hg19) VCF-style: chr2-166003398-GTCT-G.
Other names: c.1516AGA[1], p.Arg507del (NM_001081676.2, NM_001081677.2); short protein forms R507del.
Identifiers: ClinVar variation 1430281 (VCV001430281.8), dbSNP rs1289418789, ClinGen allele CA760102391.
Genomic context (GRCh38, chr2:165,146,888, plus strand): 5'-ATTCGGATTTGGGAAAGCTGTCTCTCTCTCCTTTGTTGTTTCCTTCAAGGTGCTCTCTCT[GTCT>G]TCTTTTCTTCCTTCGGTTCCTCCATTCTTTAGCACTTTTGGAACTCAACTTTGATGCTTC-3'